The following is an entry in ClinVar:

NM_000059.4(BRCA2):c.6997G>C (p.Val2333Leu)

Gene: BRCA2 (BRCA2 DNA repair associated; plus strand). Cytogenetic location: 13q13.1.
Variant type: single nucleotide variant.
Coding change: c.6997G>C on transcript NM_000059.4 (MANE Select); coding-DNA position 6997, G replaced by C.
Protein change: p.Val2333Leu; replaces valine 2333 with leucine.
Molecular consequence: missense variant.
Genome position (GRCh38, 1-based): chr13:32,346,886, G>C. VCF-style: chr13-32346886-G-C. GRCh37 (hg19) VCF-style: chr13-32921023-G-C.
Other names: short protein forms V2333L.
Identifiers: ClinVar variation 567495 (VCV000567495.11), dbSNP rs587781842, ClinGen allele CA387793158.

ClinVar aggregate classification (germline): Uncertain significance. Review status: criteria provided, multiple submitters, no conflicts (2 of 4 stars). 2 submissions from 2 submitters: Uncertain significance (2). Last evaluated 2024-12-21.

Conditions:
Hereditary cancer-predisposing syndrome. Also called: Neoplastic Syndromes, Hereditary; Tumor predisposition; Hereditary neoplastic syndrome; Hereditary Cancer Syndrome. Identifiers: Orphanet 140162, MedGen C0027672, MeSH D009386, MONDO:0015356.
Hereditary breast ovarian cancer syndrome. Also called: Hereditary breast and ovarian cancer syndrome (HBOC); Hereditary breast and ovarian cancer; Hereditary breast and/or ovarian cancer syndrome; Hereditary breast and ovarian cancer syndrome; Breast and ovarian cancer; BRCA1- and BRCA2-Associated Hereditary Breast and Ovarian Cancer. Identifiers: Orphanet 145, MedGen C0677776, MeSH D061325, MONDO:0003582. Disease mechanism: loss of function.

Submissions (2):

Ambry Genetics
Classification: Uncertain significance for Hereditary cancer-predisposing syndrome. Last evaluated: 2024-12-21. Review status: criteria provided, single submitter. Criteria: Ambry Variant Classification Scheme 2023. Collection method: clinical testing. Allele origin: germline.
Comment: The p.V2333L variant (also known as c.6997G>C), located in coding exon 12 of the BRCA2 gene, results from a G to C substitution at nucleotide position 6997. The valine at codon 2333 is replaced by leucine, an amino acid with highly similar properties. This amino acid position is poorly conserved in available vertebrate species. In addition, this alteration is predicted to be tolerated by in silico analysis. Since supporting evidence is limited at this time, the clinical significance of this alteration remains unclear.

Labcorp Genetics (formerly Invitae), Labcorp
Classification: Uncertain significance for Hereditary breast ovarian cancer syndrome. Last evaluated: 2024-08-15. Review status: criteria provided, single submitter. Criteria: Invitae Variant Classification Sherloc (09022015). Collection method: clinical testing. Allele origin: germline.
Comment: This sequence change replaces valine, which is neutral and non-polar, with leucine, which is neutral and non-polar, at codon 2333 of the BRCA2 protein (p.Val2333Leu). This variant is not present in population databases (gnomAD no frequency). This missense change has been observed in individual(s) with breast cancer (Invitae). It has also been observed to segregate with disease in related individuals. ClinVar contains an entry for this variant (Variation ID: 567495). Invitae Evidence Modeling of protein sequence and biophysical properties (such as structural, functional, and spatial information, amino acid conservation, physicochemical variation, residue mobility, and thermodynamic stability) indicates that this missense variant is not expected to disrupt BRCA2 protein function with a negative predictive value of 95%. In summary, the available evidence is currently insufficient to determine the role of this variant in disease. Therefore, it has been classified as a Variant of Uncertain Significance.